The following is an entry in ClinVar:

NM_000179.3(MSH6):c.2315G>A (p.Arg772Gln)

Gene: MSH6 (mutS homolog 6; plus strand). Cytogenetic location: 2p16.3.
Variant type: single nucleotide variant.
Coding change: c.2315G>A on transcript NM_000179.3 (MANE Select); coding-DNA position 2315, G replaced by A.
Protein change: p.Arg772Gln; replaces arginine 772 with glutamine.
Molecular consequence: missense variant.
Genome position (GRCh38, 1-based): chr2:47,800,298, G>A. VCF-style: chr2-47800298-G-A. GRCh37 (hg19) VCF-style: chr2-48027437-G-A.
Other names: c.1925G>A, p.Arg642Gln (NM_001281492.2); c.1409G>A, p.Arg470Gln (NM_001281493.2, NM_001281494.2); short protein forms R772Q, R470Q, R642Q.
Identifiers: ClinVar variation 237155 (VCV000237155.27), dbSNP rs63750725, ClinGen allele CA068814.
Genomic context (GRCh38, chr2:47,800,298, plus strand): 5'-GTTCTACTGAAGGAACCCTACTAGAGAGGGTTGATACTTGCCATACTCCTTTTGGTAAGC[G>A]GCTCCTAAAGCAATGGCTTTGTGCCCCACTCTGTAACCATTATGCTATTAATGATCGTCT-3'
Protein context (NP_000170.1, residues 762-782): VDTCHTPFGK[Arg772Gln]LLKQWLCAPL

ClinVar aggregate classification (germline): Conflicting classifications of pathogenicity. Review status: criteria provided, conflicting classifications (1 of 4 stars). 9 submissions from 9 submitters: Uncertain significance (8); Likely benign (1). Last evaluated 2026-01-16.

Conditions:
Mismatch repair cancer syndrome 3. Identifiers: MedGen C5436807, MONDO:0030841, OMIM 619097.
Hereditary nonpolyposis colorectal neoplasms. Identifiers: MedGen C0009405, MeSH D003123.
Lynch syndrome. Identifiers: Orphanet 144, MedGen C4552100, MONDO:0005835. Disease mechanism: loss of function.
Hereditary cancer-predisposing syndrome. Also called: Hereditary neoplastic syndrome; Hereditary Cancer Syndrome; Neoplastic Syndromes, Hereditary; Tumor predisposition. Identifiers: Orphanet 140162, MedGen C0027672, MeSH D009386, MONDO:0015356.
Endometrial carcinoma. Also called: Endometrial carcinoma, somatic. Identifiers: MedGen C0476089, MONDO:0002447, OMIM 608089, HP:0012114.
Lynch syndrome 5 (LYNCH5). Also called: Hereditary non-polyposis colorectal cancer, type 5; Colorectal cancer, hereditary nonpolyposis, type 5. Identifiers: Orphanet 144, MedGen C1833477, MONDO:0013710, OMIM 614350. Disease mechanism: loss of function.

Allele frequency attached by ClinVar (database versions not stated): TOPMed 0.00001; ExAC 0.00002; gnomAD 0.00002; gnomAD exomes 0.00002.
gnomAD v4.1: 28 of 1,613,882 alleles (0.0017%); highest among the groups gnomAD compares: African/African-American, 0.0027%; no homozygotes.

Submissions (9):

Labcorp Genetics (formerly Invitae), Labcorp
Classification: Uncertain significance for Hereditary nonpolyposis colorectal neoplasms. Last evaluated: 2026-01-16. Review status: criteria provided, single submitter. Criteria: Invitae Variant Classification Sherloc (09022015). Collection method: clinical testing. Allele origin: germline.
Comment: This sequence change replaces arginine, which is basic and polar, with glutamine, which is neutral and polar, at codon 772 of the MSH6 protein (p.Arg772Gln). This variant is present in population databases (rs63750725, gnomAD 0.004%). This missense change has been observed in individual(s) with colorectal adenomas who also had a pathogenic MSH6 variant (PMID: 25985138). ClinVar contains an entry for this variant (Variation ID: 237155). Invitae Evidence Modeling of protein sequence and biophysical properties (such as structural, functional, and spatial information, amino acid conservation, physicochemical variation, residue mobility, and thermodynamic stability) indicates that this missense variant is expected to disrupt MSH6 protein function with a positive predictive value of 95%. This variant disrupts the p.Arg772 amino acid residue in MSH6. Other variant(s) that disrupt this residue have been determined to be pathogenic (PMID: 14974087, 18176851, 23621914, 24323032, 25307252, 26333163, 28449805, 28514183; internal data). This suggests that this residue is clinically significant, and that variants that disrupt this residue are likely to be disease-causing. In summary, the available evidence is currently insufficient to determine the role of this variant in disease. Therefore, it has been classified as a Variant of Uncertain Significance.

Color Diagnostics, LLC DBA Color Health
Classification: Uncertain significance for Hereditary cancer-predisposing syndrome. Last evaluated: 2025-06-02. Review status: criteria provided, single submitter. Criteria: ACMG Guidelines, 2015. Collection method: clinical testing. Allele origin: germline.
Comment: This missense variant replaces arginine with glutamine at codon 772 of the MSH6 protein. A different variant affecting the same position c.2314C>T (p.Arg772Trp) is considered to be disease-causing (ClinVar variation ID: 89267). Computational prediction suggests that this variant may have deleterious impact on protein structure and function. To our knowledge, functional studies have not been performed for this variant. This variant has been reported in an individual with multiple adenomas who also had a MSH6 nonsense mutation (PMID: 25985138). This variant has been identified in 5/282522 chromosomes in the general population by the Genome Aggregation Database (gnomAD). A different variant affecting the same codon, c.2314C>T (p.Arg772Trp), is considered to be disease-causing (ClinVar variation ID: 89267), suggesting that this position is important for the protein function. The available evidence is insufficient to determine the role of this variant in disease conclusively. Therefore, this variant is classified as a Variant of Uncertain Significance.

Myriad Genetics, Inc.
Classification: Likely benign for Lynch syndrome 5. Last evaluated: 2024-12-31. Review status: criteria provided, single submitter. Criteria: Myriad Autosomal Dominant, Autosomal Recessive and X-Linked Classification Criteria (2023). Collection method: clinical testing. Allele origin: unknown.
Comment: This variant is considered likely benign. This variant is strongly associated with less severe personal and family histories of cancer, typical for individuals without pathogenic variants in this gene [PMID: 27363726].

Ambry Genetics
Classification: Uncertain significance for Hereditary cancer-predisposing syndrome. Last evaluated: 2024-05-06. Review status: criteria provided, single submitter. Criteria: Ambry Variant Classification Scheme 2023. Collection method: clinical testing. Allele origin: germline.
Comment: The p.R772Q variant (also known as c.2315G>A), located in coding exon 4 of the MSH6 gene, results from a G to A substitution at nucleotide position 2315. The arginine at codon 772 is replaced by glutamine, an amino acid with highly similar properties. This alteration has been detected in conjunction with a pathogenic MSH6 mutation (phase unknown) in an individual with an unspecified number of multiple adenomas (Taylor JC et al. Nat Genet. 2015 Jul;47(7):717-26). In addition, this alteration is predicted to be deleterious by in silico analysis. Based on the available evidence, the clinical significance of this variant remains unclear.

Baylor Genetics
Classification: Uncertain significance for Endometrial carcinoma. Last evaluated: 2024-03-03. Review status: criteria provided, single submitter. Criteria: ACMG Guidelines, 2015. Collection method: clinical testing. Allele origin: unknown.

Department of Pathology and Laboratory Medicine, Sinai Health System
Classification: Uncertain significance for Mismatch repair cancer syndrome 3. Last evaluated: 2023-11-13. Review status: criteria provided, single submitter. Criteria: ACMG Guidelines, 2015. Collection method: clinical testing. Allele origin: germline. Affected: yes.

Clinical Genetics Laboratory, Skane University Hospital Lund
Classification: Uncertain significance. Last evaluated: 2023-06-26. Review status: criteria provided, single submitter. Criteria: ACMG Guidelines, 2015. Collection method: clinical testing. Allele origin: germline. Affected: yes.

GeneDx
Classification: Uncertain significance. Last evaluated: 2019-09-26. Review status: criteria provided, single submitter. Criteria: GeneDx Variant Classification Process June 2021. Collection method: clinical testing. Allele origin: germline. Affected: yes.
Comment: Not observed at a significant frequency in large population cohorts (Lek 2016); In silico analysis, which includes protein predictors and evolutionary conservation, supports a deleterious effect; Observed as a germline variant in an individual with multiple adenomas who also carried an MSH6 nonsense variant (phase not determined), and as a somatic variant in a colon tumor exhibiting microsatellite instability in an individual with a germline MSH6 variant on the opposite allele (Ohmiya 2001, Taylor 2015); This variant is associated with the following publications: (PMID: 14974087, 18176851, 28514183, 11470537, 23621914, 25985138, 25307252, 8176851, 29548617, 24323032, 29887214)

University of Washington Department of Laboratory Medicine, University of Washington
Classification: Uncertain significance for Lynch syndrome. Last evaluated: 2018-05-01. Review status: criteria provided, single submitter. Criteria: Shirts BH et al. (Am J Hum Genet 2018). Collection method: clinical testing. Allele origin: somatic. Affected: yes.
Comment: MSH6 NM_000179.2:c.2315G>A has a 63.2% probability of pathogenicity based on combining prior probability from public data with a likelihood ratio of 0.20 to 1, generated from evidence of seeing this as a somatic mutation in a tumor without loss of heterozygosity at the MSH6 locus. See Shirts et al 2018, PMID 29887214.

Literature cited by the submitters: PubMed 25985138 (cited by 3 submitters); PubMed 14974087 (cited by Labcorp Genetics (formerly Invitae), Labcorp and Department of Pathology and Laboratory Medicine, Sinai Health System); PubMed 18176851 (cited by Labcorp Genetics (formerly Invitae), Labcorp and Department of Pathology and Laboratory Medicine, Sinai Health System); PubMed 23621914 (cited by Labcorp Genetics (formerly Invitae), Labcorp); PubMed 24323032 (cited by Labcorp Genetics (formerly Invitae), Labcorp and Department of Pathology and Laboratory Medicine, Sinai Health System); PubMed 25307252 (cited by Labcorp Genetics (formerly Invitae), Labcorp and Department of Pathology and Laboratory Medicine, Sinai Health System); PubMed 26333163 (cited by Labcorp Genetics (formerly Invitae), Labcorp); PubMed 28449805 (cited by Labcorp Genetics (formerly Invitae), Labcorp and Department of Pathology and Laboratory Medicine, Sinai Health System); PubMed 28514183 (cited by Labcorp Genetics (formerly Invitae), Labcorp and Department of Pathology and Laboratory Medicine, Sinai Health System); PubMed 27363726 (cited by Myriad Genetics, Inc.); PubMed 29887214 (cited by Ambry Genetics and Department of Pathology and Laboratory Medicine, Sinai Health System).